The following is an entry in ClinVar:

ClinVar aggregate classification (germline): Uncertain significance (1 of 4 stars; one submission).

Conditions:
Ataxia-telangiectasia syndrome (AT). Also called: ATAXIA-TELANGIECTASIA, COMPLEMENTATION GROUP A; ATAXIA-TELANGIECTASIA, FRESNO VARIANT; Ataxia-telangiectasia; Ataxia-telangiectasia, complementation group E; LOUIS-BAR SYNDROME; Cerebello-oculocutaneous telangiectasia. Identifiers: Orphanet 100, MedGen C0004135, MONDO:0008840, OMIM 208900.

Submission:

Labcorp Genetics (formerly Invitae), Labcorp
Classification: Uncertain significance for Ataxia-telangiectasia syndrome. Last evaluated: 2022-03-11. Review status: criteria provided, single submitter. Criteria: Invitae Variant Classification Sherloc (09022015). Collection method: clinical testing. Allele origin: germline.
Comment: In summary, the available evidence is currently insufficient to determine the role of this variant in disease. Therefore, it has been classified as a Variant of Uncertain Significance. Algorithms developed to predict the effect of missense changes on protein structure and function (SIFT, PolyPhen-2, Align-GVGD) all suggest that this variant is likely to be tolerated. This variant has not been reported in the literature in individuals affected with ATM-related conditions. This variant is not present in population databases (gnomAD no frequency). This sequence change replaces aspartic acid, which is acidic and polar, with glycine, which is neutral and non-polar, at codon 2650 of the ATM protein (p.Asp2650Gly).

NM_000051.4(ATM):c.7949A>G (p.Asp2650Gly)

Genes: ATM (ATM serine/threonine kinase; plus strand), C11orf65 (chromosome 11 open reading frame 65; minus strand). Cytogenetic location: 11q22.3.
Variant type: single nucleotide variant.
Coding change: c.7949A>G on transcript NM_000051.4 (MANE Select); coding-DNA position 7949, A replaced by G.
Protein change: p.Asp2650Gly; replaces aspartic acid 2650 with glycine.
Molecular consequence: missense variant. On other transcripts: intron variant (2).
Genome position (GRCh38, 1-based): chr11:108,333,907, A>G. VCF-style: chr11-108333907-A-G. GRCh37 (hg19) VCF-style: chr11-108204634-A-G.
Other names: c.7949A>G, p.Asp2650Gly (NM_001351834.2); c.641-24836T>C (NM_001330368.2); c.*38+1313T>C (NM_001351110.2); short protein forms D2650G.
Identifiers: ClinVar variation 2109103 (VCV002109103.4), dbSNP rs1060501635, ClinGen allele CA382561691.